The following is an entry in ClinVar:

NM_000501.4(ELN):c.1543G>A (p.Val515Met)

Genes: ELN (elastin; plus strand), ELN-AS1 (ELN antisense RNA 1; minus strand). Cytogenetic location: 7q11.23.
Variant type: single nucleotide variant.
Coding change: c.1543G>A on transcript NM_000501.4 (MANE Select); coding-DNA position 1543, G replaced by A.
Protein change: p.Val515Met; replaces valine 515 with methionine.
Molecular consequence: missense variant.
Genome position (GRCh38, 1-based): chr7:74,060,014, G>A. VCF-style: chr7-74060014-G-A. GRCh37 (hg19) VCF-style: chr7-73474344-G-A.
Other names: c.1456G>A, p.Val486Met (NM_001081752.3); c.1501G>A, p.Val501Met (NM_001081753.3); c.1558G>A, p.Val520Met (NM_001081754.3); c.1486G>A, p.Val496Met (NM_001081755.3); c.1543G>A, p.Val515Met (NM_001278912.2); c.1300G>A, p.Val434Met (NM_001278913.2); c.1471G>A, p.Val491Met (NM_001278914.2); c.1561G>A, p.Val521Met (NM_001278915.2); and 4 more; short protein forms V426M, V434M, V482M, V486M, V491M, V496M, V501M, V505M.
Identifiers: ClinVar variation 1008316 (VCV001008316.17), dbSNP rs376258672, ClinGen allele CA4293092.

ClinVar aggregate classification (germline): Conflicting classifications of pathogenicity. Review status: criteria provided, conflicting classifications (1 of 4 stars). 6 submissions from 6 submitters: Uncertain significance (4); Likely benign (2). Last evaluated 2026-04-01.

Conditions:
Supravalvar aortic stenosis (SVAS). Also called: Supravalvar aortic stenosis, Eisenberg type. Identifiers: Orphanet 3193, MedGen C0003499, MONDO:0008504, OMIM 185500, HP:0004381.
Cutis laxa, autosomal dominant 1 (ADCL1). Also called: ELN-Related Cutis Laxa. Identifiers: Orphanet 90348, MedGen C3276539, MONDO:0007411, OMIM 123700. Disease mechanism: Dominant Negative.
Williams syndrome (WBS). Also called: CHROMOSOME 7q11.23 DELETION SYNDROME, 1.5- TO 1.8-MB; WILLIAMS-BEUREN SYNDROME. Identifiers: Orphanet 904, MedGen C0175702, MONDO:0008678, OMIM 194050. Disease mechanism: loss of function.
Inborn genetic diseases. Identifiers: MedGen C0950123, MeSH D030342.

Allele frequency attached by ClinVar (database versions not stated): gnomAD exomes 0.00004 and 0.00008; gnomAD 0.00006 and 0.00007; ExAC 0.00007; TOPMed 0.00008; ESP Exome Variant Server 0.00015.
gnomAD v4.1: 132 of 1,614,036 alleles (0.0082%); highest among the groups gnomAD compares: Non-Finnish European, 0.01%; no homozygotes.

Submissions (6):

CeGaT Center for Human Genetics Tuebingen
Classification: Likely benign. Last evaluated: 2026-04-01. Review status: criteria provided, single submitter. Criteria: CeGaT Center For Human Genetics Tuebingen Variant Classification Criteria Version 2. Collection method: clinical testing. Allele origin: germline. Affected: yes. Observed: 1 variant allele.
Comment: ELN: BP4

Labcorp Genetics (formerly Invitae), Labcorp
Classification: Uncertain significance for Supravalvar aortic stenosis. Last evaluated: 2026-01-18. Review status: criteria provided, single submitter. Criteria: Invitae Variant Classification Sherloc (09022015). Collection method: clinical testing. Allele origin: germline.
Comment: This sequence change replaces valine, which is neutral and non-polar, with methionine, which is neutral and non-polar, at codon 544 of the ELN protein (p.Val544Met). This variant is present in population databases (rs376258672, gnomAD 0.02%). This missense change has been observed in individual(s) with hypermobile Ehlers-Danlos syndrome (PMID: 37813462). This variant is also known as c.1543G>A (p.Val515Met). ClinVar contains an entry for this variant (Variation ID: 1008316). Experimental studies and prediction algorithms are not available or were not evaluated, and the functional significance of this variant is currently unknown. In summary, the available evidence is currently insufficient to determine the role of this variant in disease. Therefore, it has been classified as a Variant of Uncertain Significance.

GeneDx
Classification: Uncertain significance. Last evaluated: 2025-01-23. Review status: criteria provided, single submitter. Criteria: GeneDx Variant Classification Process June 2021. Collection method: clinical testing. Allele origin: germline. Affected: yes.
Comment: Has not been previously published as pathogenic or benign to our knowledge; In silico analysis indicates that this missense variant does not alter protein structure/function

Blueprint Genetics
Classification: Likely benign. Last evaluated: 2024-09-02. Review status: criteria provided, single submitter. Criteria: ACMG Guidelines, 2015. Collection method: clinical testing. Allele origin: germline.

Fulgent Genetics
Classification: Uncertain significance for Cutis laxa, autosomal dominant 1; Supravalvar aortic stenosis; Williams syndrome. Last evaluated: 2021-11-12. Review status: criteria provided, single submitter. Criteria: ACMG Guidelines, 2015. Collection method: clinical testing. Allele origin: unknown.

Ambry Genetics
Classification: Uncertain significance for Inborn genetic diseases. Last evaluated: 2021-08-13. Review status: criteria provided, single submitter. Criteria: Ambry Variant Classification Scheme 2023. Collection method: clinical testing. Allele origin: germline.

Literature cited by the submitters: PubMed 37813462 (cited by Labcorp Genetics (formerly Invitae), Labcorp).